The following is an entry in ClinVar:

ClinVar aggregate classification (germline): Uncertain significance. Review status: criteria provided, multiple submitters, no conflicts (2 of 4 stars). 2 submissions from 2 submitters: Uncertain significance (2). Last evaluated 2025-04-22.

Conditions:
Hereditary cancer-predisposing syndrome. Also called: Neoplastic Syndromes, Hereditary; Tumor predisposition; Hereditary Cancer Syndrome; Hereditary neoplastic syndrome. Identifiers: Orphanet 140162, MedGen C0027672, MeSH D009386, MONDO:0015356.

Submissions (2):

Ambry Genetics
Classification: Uncertain significance for Hereditary cancer-predisposing syndrome. Last evaluated: 2025-04-22. Review status: criteria provided, single submitter. Criteria: Ambry Variant Classification Scheme 2023. Collection method: clinical testing. Allele origin: germline.
Comment: The p.L24F variant (also known as c.72G>C), located in coding exon 2 of the PALB2 gene, results from a G to C substitution at nucleotide position 72. The leucine at codon 24 is replaced by phenylalanine, an amino acid with highly similar properties. (Zhang K et al. Breast Cancer Res. Treat., 2017 Aug). This amino acid position is highly conserved in available vertebrate species. In addition, the in silico prediction for this alteration is inconclusive. Based on the available evidence, the clinical significance of this variant remains unclear.

Quest Diagnostics Nichols Institute San Juan Capistrano
Classification: Uncertain significance. Last evaluated: 2024-05-30. Review status: criteria provided, single submitter. Criteria: Quest Diagnostics criteria. Collection method: clinical testing. Allele origin: unknown.
Comment: The PALB2 c.72G>C (p.Leu24Phe) variant has been reported in the published literature in individuals affected with breast cancer (PMID: 28825143 (2017), 33471991 (2021), see also LOVD). This variant is also found in a reportedly healthy individual (PMID: 33471991 (2021), see also LOVD). One functional study reports this variant to result in ~50% of wild-type PALB2 activity (PMID: 35853885 (2022)). However, it is inconclusive whether this level of activity is low enough to consider this variant as damaging. This variant has not been reported in large, multi-ethnic general populations (Genome Aggregation Database). Analysis of this variant using bioinformatics tools for the prediction of the effect of amino acid changes on protein structure and function yielded conflicting predictions that this variant is benign or damaging. Based on the available information, we are unable to determine the clinical significance of this variant.

Literature cited by the submitters: PubMed 28825143 (cited by Ambry Genetics and Quest Diagnostics Nichols Institute San Juan Capistrano); PubMed 33471991 (cited by Quest Diagnostics Nichols Institute San Juan Capistrano); PubMed 35853885 (cited by Quest Diagnostics Nichols Institute San Juan Capistrano).

NM_024675.4(PALB2):c.72G>C (p.Leu24Phe)

Gene: PALB2 (partner and localizer of BRCA2; minus strand). Cytogenetic location: 16p12.2.
Variant type: single nucleotide variant.
Coding change: c.72G>C on transcript NM_024675.4 (MANE Select); coding-DNA position 72, G replaced by C.
Protein change: p.Leu24Phe; replaces leucine 24 with phenylalanine.
Molecular consequence: missense variant.
Genome position (GRCh38, 1-based): chr16:23,638,106, C>G on the plus strand (G>C on the coding strand, the complement: PALB2 is on the minus strand). VCF-style: chr16-23638106-C-G. GRCh37 (hg19) VCF-style: chr16-23649427-C-G.
Other names: short protein forms L24F.
Identifiers: ClinVar variation 141755 (VCV000141755.7), dbSNP rs587781986, ClinGen allele CA166306.